The following is an entry in ClinVar:

NM_000018.4(ACADVL):c.374T>C (p.Leu125Pro)

Gene: ACADVL (acyl-CoA dehydrogenase very long chain; plus strand). Cytogenetic location: 17p13.1.
Variant type: single nucleotide variant.
Coding change: c.374T>C on transcript NM_000018.4 (MANE Select); coding-DNA position 374, T replaced by C.
Protein change: p.Leu125Pro; replaces leucine 125 with proline.
Molecular consequence: missense variant.
Genome position (GRCh38, 1-based): chr17:7,220,955, T>C. VCF-style: chr17-7220955-T-C. GRCh37 (hg19) VCF-style: chr17-7124274-T-C.
Other names: c.308T>C, p.Leu103Pro (NM_001033859.3); c.443T>C, p.Leu148Pro (NM_001270447.2); c.146T>C, p.Leu49Pro (NM_001270448.2); short protein forms L125P, L148P, L103P, L49P.
Identifiers: ClinVar variation 582763 (VCV000582763.12), dbSNP rs1416443472, ClinGen allele CA397722767.

ClinVar aggregate classification (germline): Conflicting classifications of pathogenicity. Review status: criteria provided, conflicting classifications (1 of 4 stars). 4 submissions from 4 submitters: Likely pathogenic (1); Uncertain significance (2). 1 of the submissions does not count toward it. Last evaluated 2026-06-12.

Conditions:
ACADVL-related disorder. Also called: ACADVL-related condition.
Very long chain acyl-CoA dehydrogenase deficiency (ACADVLD). Also called: VLCAD Deficiency; Very Long-Chain Acyl-Coenzyme A Dehydrogenase Deficiency. Identifiers: Orphanet 26793, MedGen C3887523, MONDO:0008723, OMIM 201475.

Allele frequency attached by ClinVar (database versions not stated): gnomAD exomes below 0.00001; TOPMed below 0.00001; gnomAD 0.00001.
gnomAD v4.1: 2 of 1,613,968 alleles (0.00012%); highest among the groups gnomAD compares: African/African-American, 0.0027%; no homozygotes.

Submissions (4):

PreventionGenetics, part of Exact Sciences
Classification: Uncertain significance for ACADVL-related condition. Last evaluated: 2026-06-12. Review status: criteria provided, single submitter. Criteria: ACMG Guidelines, 2015. Collection method: clinical testing. Allele origin: germline.
Comment: The ACADVL c.374T>C variant is predicted to result in the amino acid substitution p.Leu125Pro. To our knowledge, this amino acid change has been reported in two individuals along with the p.Ile356Val variant of uncertain significance. Both individuals had normal fibroblasts fatty acid oxidation studies (Upadia et al. 2023. PubMed ID: 37671074). The c.374T>C variant is reported in 0.011% of alleles in individuals of African descent in gnomAD. At this time, the clinical significance of this variant is uncertain due to the absence of conclusive functional and genetic evidence.

Women's Health and Genetics/Laboratory Corporation of America, LabCorp
Classification: Uncertain significance. Last evaluated: 2025-09-19. Review status: criteria provided, single submitter. Criteria: LabCorp Variant Classification Summary - May 2015. Collection method: clinical testing. Allele origin: germline.
Comment: Variant summary: ACADVL c.374T>C (p.Leu125Pro) results in a non-conservative amino acid change in the encoded protein sequence. Algorithms developed to predict the effect of missense changes on protein structure and function all suggest that this variant is likely to be disruptive. The variant allele was found at a frequency of 3.2e-05 in 31396 control chromosomes. c.374T>C has been observed in at least one individual affected with Very Long Chain Acyl-CoA Dehydrogenase Deficiency (internal data). These data do not allow any conclusion about variant significance. To our knowledge, no experimental evidence demonstrating an impact on protein function has been reported. The following publication has been ascertained in the context of this evaluation (PMID: 37671074). ClinVar contains an entry for this variant (Variation ID: 582763). Based on the evidence outlined above, the variant was classified as uncertain significance.

Labcorp Genetics (formerly Invitae), Labcorp
Classification: Likely pathogenic for Very long chain acyl-CoA dehydrogenase deficiency. Last evaluated: 2023-06-24. Review status: criteria provided, single submitter. Criteria: Invitae Variant Classification Sherloc (09022015). Collection method: clinical testing. Allele origin: germline.
Comment: Advanced modeling of protein sequence and biophysical properties (such as structural, functional, and spatial information, amino acid conservation, physicochemical variation, residue mobility, and thermodynamic stability) performed at Invitae indicates that this missense variant is expected to disrupt ACADVL protein function. This sequence change replaces leucine, which is neutral and non-polar, with proline, which is neutral and non-polar, at codon 125 of the ACADVL protein (p.Leu125Pro). This variant is present in population databases (no rsID available, gnomAD 0.01%). This missense change has been observed in individual(s) with very long chain acyl-CoA dehydrogenase (VLCAD) deficiency (Invitae). In at least one individual the data is consistent with being in trans (on the opposite chromosome) from a pathogenic variant. ClinVar contains an entry for this variant (Variation ID: 582763). In summary, the currently available evidence indicates that the variant is pathogenic, but additional data are needed to prove that conclusively. Therefore, this variant has been classified as Likely Pathogenic.

Natera, Inc.
Classification: Uncertain significance for Very long chain acyl-CoA dehydrogenase deficiency. Last evaluated: 2021-05-05. Review status: no assertion criteria provided. Collection method: clinical testing. Allele origin: germline. Not counted in ClinVar's aggregate classification.

Literature cited by the submitters: PubMed 37671074 (cited by Women's Health and Genetics/Laboratory Corporation of America, LabCorp).